The following is an entry in ClinVar:

NM_017617.5(NOTCH1):c.866-263G>A

Gene: NOTCH1 (notch receptor 1; minus strand). Cytogenetic location: 9q34.3.
Variant type: single nucleotide variant.
Coding change: c.866-263G>A on transcript NM_017617.5 (MANE Select); 263 bases into the intron before coding-DNA position 866, G replaced by A.
Molecular consequence: intron variant.
Genome position (GRCh38, 1-based): chr9:136,519,087, C>T on the plus strand (G>A on the coding strand, the complement: NOTCH1 is on the minus strand). VCF-style: chr9-136519087-C-T. GRCh37 (hg19) VCF-style: chr9-139413539-C-T.
Identifiers: ClinVar variation 680686 (VCV000680686.1), dbSNP rs10870078, ClinGen allele CA13091647.

ClinVar aggregate classification (germline): Benign (1 of 4 stars; one submission).

Allele frequency attached by ClinVar (database versions not stated): 1000 Genomes Project 0.12220; gnomAD 0.12226 and 0.12615; 1000 Genomes Project 30x 0.12258; TOPMed 0.12299.
gnomAD v4.1: 19,254 of 152,296 alleles (13%); highest among the groups gnomAD compares: South Asian, 26%; 1,323 homozygotes.

Submission:

GeneDx
Classification: Benign. Last evaluated: 2018-06-14. Review status: criteria provided, single submitter. Criteria: GeneDx Variant Classification (06012015). Collection method: clinical testing. Allele origin: germline. Affected: yes.
Comment: This variant is considered likely benign or benign based on one or more of the following criteria: it is a conservative change, it occurs at a poorly conserved position in the protein, it is predicted to be benign by multiple in silico algorithms, and/or has population frequency not consistent with disease.